The following is an entry in ClinVar:

ClinVar aggregate classification (germline): Uncertain significance (1 of 4 stars; one submission).

Conditions:
HSF4-related disorder. Also called: HSF4-related condition.

gnomAD v4.1: 4 of 1,593,504 alleles (0.00025%); highest among the groups gnomAD compares: East Asian, 0.0023%; no homozygotes.

Submission:

PreventionGenetics, part of Exact Sciences
Classification: Uncertain significance for HSF4-related condition. Last evaluated: 2026-01-29. Review status: criteria provided, single submitter. Criteria: ACMG Guidelines, 2015. Collection method: clinical testing. Allele origin: germline.
Comment: The HSF4 c.869C>T variant is predicted to result in the amino acid substitution p.Ala290Val. To our knowledge, this variant has not been reported in the literature or in a large population database (gnomAD), indicating this variant is rare. At this time, the clinical significance of this variant is uncertain due to the absence of conclusive functional and genetic evidence.

NM_001374675.1(HSF4):c.959C>T (p.Ala320Val)

Gene: HSF4 (heat shock transcription factor 4; plus strand). Cytogenetic location: 16q22.1.
Variant type: single nucleotide variant.
Coding change: c.959C>T on transcript NM_001374675.1 (MANE Select); coding-DNA position 959, C replaced by T.
Protein change: p.Ala320Val; replaces alanine 320 with valine.
Molecular consequence: missense variant.
Genome position (GRCh38, 1-based): chr16:67,167,824, C>T. VCF-style: chr16-67167824-C-T. GRCh37 (hg19) VCF-style: chr16-67201727-C-T.
Other names: c.959C>T, p.Ala320Val (NM_001040667.3); c.869C>T, p.Ala290Val (NM_001374674.1, NM_001538.4); short protein forms A290V, A320V.
Identifiers: ClinVar variation 4981188 (VCV004981188.1).